The following is an entry in ClinVar:

NM_000135.4(FANCA):c.1339del (p.Ser447fs)

Gene: FANCA (FA complementation group A; minus strand). Cytogenetic location: 16q24.3.
Variant type: Deletion.
Coding change: c.1339del on transcript NM_000135.4 (MANE Select); coding-DNA position 1339, one base deleted (T; older notation c.1339delT).
Protein change: p.Ser447fs; shifts the reading frame from serine 447.
Molecular consequence: frameshift variant.
Genome position (GRCh38, 1-based): chr16:89,791,423, A deleted on the plus strand (T on the coding strand, the reverse complement: FANCA is on the minus strand). VCF-style (leftmost placement, unchanged base first): chr16-89791422-GA-G. GRCh37 (hg19) VCF-style: chr16-89857830-GA-G.
Other names: c.1339del, p.Ser447fs (NM_001286167.3); short protein forms S447fs.
Identifiers: ClinVar variation 1407620 (VCV001407620.6), dbSNP rs2143525756, ClinGen allele CA2573152817.

ClinVar aggregate classification (germline): Pathogenic (1 of 4 stars; one submission).

Conditions:
Fanconi anemia (FA). Also called: Fanconi's anemia. Identifiers: Orphanet 84, MedGen C0015625, MeSH D005199, MONDO:0019391.

Submission:

Labcorp Genetics (formerly Invitae), Labcorp
Classification: Pathogenic for Fanconi anemia. Last evaluated: 2021-02-13. Review status: criteria provided, single submitter. Criteria: Invitae Variant Classification Sherloc (09022015). Collection method: clinical testing. Allele origin: germline.
Comment: For these reasons, this variant has been classified as Pathogenic. This variant has not been reported in the literature in individuals with FANCA-related conditions. This variant is not present in population databases (ExAC no frequency). This sequence change creates a premature translational stop signal (p.Ser447Hisfs*79) in the FANCA gene. It is expected to result in an absent or disrupted protein product. Loss-of-function variants in FANCA are known to be pathogenic (PMID: 19367192).

Literature cited by the submitters: PubMed 19367192.